The following is an entry in ClinVar:

ClinVar aggregate classification (germline): Uncertain significance (1 of 4 stars; one submission).

Submission:

GeneDx
Classification: Uncertain significance. Last evaluated: 2025-09-30. Review status: criteria provided, single submitter. Criteria: GeneDx Variant Classification Process June 2021. Collection method: clinical testing. Allele origin: germline.
Comment: Not observed at significant frequency in large population cohorts (gnomAD); In silico analysis suggests that this missense variant does not alter protein structure/function; Has not been previously published as pathogenic or benign to our knowledge

NM_016604.4(KDM3B):c.4088A>G (p.Gln1363Arg)

Gene: KDM3B (lysine demethylase 3B; plus strand). Cytogenetic location: 5q31.2.
Variant type: single nucleotide variant.
Coding change: c.4088A>G on transcript NM_016604.4 (MANE Select); coding-DNA position 4088, A replaced by G.
Protein change: p.Gln1363Arg; replaces glutamine 1363 with arginine.
Molecular consequence: missense variant.
Genome position (GRCh38, 1-based): chr5:138,424,190, A>G. VCF-style: chr5-138424190-A-G. GRCh37 (hg19) VCF-style: chr5-137759879-A-G.
Other names: short protein forms Q1363R.
Identifiers: ClinVar variation 3363369 (VCV003363369.2).
Genomic context (GRCh38, chr5:138,424,190, plus strand): 5'-TGGTAGAAAATAAGAAAACCTCAGATGCTTCAAAGCGGGCCTGCAACTTGACTGATACCC[A>G]GAAGGAAGTGAAGGAGATGGTGATGGGGTTAAATGTGCTAGATCCCCATACTTCTCACTC-3'
Protein context (NP_057688.3, residues 1353-1373): SKRACNLTDT[Gln1363Arg]KEVKEMVMGL